The following is an entry in ClinVar:

NM_025099.6(CTC1):c.1942A>C (p.Ile648Leu)

Gene: CTC1 (CST telomere replication complex component 1; minus strand). Cytogenetic location: 17p13.1.
Variant type: single nucleotide variant.
Coding change: c.1942A>C on transcript NM_025099.6 (MANE Select); coding-DNA position 1942, A replaced by C.
Protein change: p.Ile648Leu; replaces isoleucine 648 with leucine.
Molecular consequence: missense variant. On other transcripts: non-coding transcript variant (1).
Genome position (GRCh38, 1-based): chr17:8,232,909, T>G on the plus strand (A>C on the coding strand, the complement: CTC1 is on the minus strand). VCF-style: chr17-8232909-T-G. GRCh37 (hg19) VCF-style: chr17-8136227-T-G.
Other names: c.1942A>C, p.Ile648Leu (NM_001411067.1); short protein forms I648L.
Identifiers: ClinVar variation 2894410 (VCV002894410.3), dbSNP rs2507906879, ClinGen allele CA397980250.

ClinVar aggregate classification (germline): Uncertain significance (1 of 4 stars; one submission).

Conditions:
Dyskeratosis congenita. Identifiers: Orphanet 1775, MedGen C0265965, MONDO:0015780.

Submission:

Labcorp Genetics (formerly Invitae), Labcorp
Classification: Uncertain significance for Dyskeratosis congenita. Last evaluated: 2023-11-24. Review status: criteria provided, single submitter. Criteria: Invitae Variant Classification Sherloc (09022015). Collection method: clinical testing. Allele origin: germline.
Comment: This sequence change replaces isoleucine, which is neutral and non-polar, with leucine, which is neutral and non-polar, at codon 648 of the CTC1 protein (p.Ile648Leu). This variant is not present in population databases (gnomAD no frequency). This variant has not been reported in the literature in individuals affected with CTC1-related conditions. Advanced modeling of protein sequence and biophysical properties (such as structural, functional, and spatial information, amino acid conservation, physicochemical variation, residue mobility, and thermodynamic stability) performed at Invitae indicates that this missense variant is not expected to disrupt CTC1 protein function with a negative predictive value of 80%. In summary, the available evidence is currently insufficient to determine the role of this variant in disease. Therefore, it has been classified as a Variant of Uncertain Significance.